The following is an entry in ClinVar:

ClinVar aggregate classification (germline): Uncertain significance. Review status: criteria provided, multiple submitters, no conflicts (2 of 4 stars). 2 submissions from 2 submitters: Uncertain significance (2). Last evaluated 2022-08-12.

Allele frequency attached by ClinVar (database versions not stated): ExAC 0.00001.
gnomAD v4.1: 9 of 1,600,232 alleles (0.00056%); highest among the groups gnomAD compares: Non-Finnish European, 0.00068%; no homozygotes.

Submissions (2):

GeneDx
Classification: Uncertain significance. Last evaluated: 2022-08-12. Review status: criteria provided, single submitter. Criteria: GeneDx Variant Classification Process June 2021. Collection method: clinical testing. Allele origin: germline. Affected: yes.
Comment: Not observed at significant frequency in large population cohorts (gnomAD); In silico analysis supports that this missense variant does not alter protein structure/function; Has not been previously published as pathogenic or benign to our knowledge

Labcorp Genetics (formerly Invitae), Labcorp
Classification: Uncertain significance. Last evaluated: 2022-06-21. Review status: criteria provided, single submitter. Criteria: Invitae Variant Classification Sherloc (09022015). Collection method: clinical testing. Allele origin: germline.
Comment: In summary, the available evidence is currently insufficient to determine the role of this variant in disease. Therefore, it has been classified as a Variant of Uncertain Significance. Algorithms developed to predict the effect of missense changes on protein structure and function are either unavailable or do not agree on the potential impact of this missense change (SIFT: "Deleterious"; PolyPhen-2: "Benign"; Align-GVGD: "Class C0"). This variant has not been reported in the literature in individuals affected with SNX14-related conditions. The frequency data for this variant in the population databases is considered unreliable, as metrics indicate poor data quality at this position in the gnomAD database. This sequence change replaces alanine, which is neutral and non-polar, with threonine, which is neutral and polar, at codon 174 of the SNX14 protein (p.Ala174Thr).

NM_153816.6(SNX14):c.520G>A (p.Ala174Thr)

Gene: SNX14 (sorting nexin 14; minus strand). Cytogenetic location: 6q14.3.
Variant type: single nucleotide variant.
Coding change: c.520G>A on transcript NM_153816.6 (MANE Select); coding-DNA position 520, G replaced by A.
Protein change: p.Ala174Thr; replaces alanine 174 with threonine.
Molecular consequence: missense variant. On other transcripts: 5 prime UTR variant (6), non-coding transcript variant (5), intron variant (6).
Genome position (GRCh38, 1-based): chr6:85,565,361, C>T on the plus strand (G>A on the coding strand, the complement: SNX14 is on the minus strand). VCF-style: chr6-85565361-C-T. GRCh37 (hg19) VCF-style: chr6-86275079-C-T.
Other names: c.517G>A, p.Ala173Thr (NM_001350533.2, NM_001350534.2, NM_001350535.2); c.520G>A, p.Ala174Thr (NM_001350538.2, NM_001350540.2, NM_001350541.2 and 1 more transcripts); c.361G>A, p.Ala121Thr (NM_001350539.2); c.364G>A, p.Ala122Thr (NM_001350544.2, NM_001304479.2); c.76G>A, p.Ala26Thr (NM_001350545.2, NM_001350546.2); c.-446G>A (NM_001350547.2); c.-632G>A (NM_001350549.2, NM_001350550.2, NM_001350553.2); c.-547G>A (NM_001350551.2); and 8 more; short protein forms A173T, A195T, A26T, A121T, A174T, A122T.
Identifiers: ClinVar variation 1968505 (VCV001968505.6), dbSNP rs775544282, ClinGen allele CA3912412.
Genomic context (GRCh38, chr6:85,565,361, plus strand): 5'-AATTCCCAAATTTCTCATTAAAAATATATACCTTGTGAATCCTTCTTATTAAGACAGATG[C>T]AAAAAAACGTAATGTTATTCTCAGTTCATCAACAAAGGATTCATCATCTGTCACATCCCT-3'
Protein context (NP_722523.1, residues 164-184): DELRITLRFF[Ala174Thr]SVLIRRIHKV